The following is an entry in ClinVar:

NM_001408.3(CELSR2):c.8434C>T (p.Arg2812Trp)

Gene: CELSR2 (cadherin EGF LAG seven-pass G-type receptor 2; plus strand). Cytogenetic location: 1p13.3.
Variant type: single nucleotide variant.
Coding change: c.8434C>T on transcript NM_001408.3 (MANE Select); coding-DNA position 8434, C replaced by T.
Protein change: p.Arg2812Trp; replaces arginine 2812 with tryptophan.
Molecular consequence: missense variant.
Genome position (GRCh38, 1-based): chr1:109,273,261, C>T. VCF-style: chr1-109273261-C-T. GRCh37 (hg19) VCF-style: chr1-109815883-C-T.
Other names: c.8434C>T (NM_001408.2); short protein forms R2812W.
Identifiers: ClinVar variation 1649663 (VCV001649663.11), dbSNP rs149683589, ClinGen allele CA988575.

ClinVar aggregate classification (germline): Likely benign. Review status: criteria provided, multiple submitters, no conflicts (2 of 4 stars). 3 submissions from 3 submitters: Likely benign (2). 1 of the submissions does not count toward it. Last evaluated 2024-09-19.

Conditions:
CELSR2-related disorder. Also called: CELSR2-related condition.

Allele frequency attached by ClinVar (database versions not stated): 1000 Genomes Project 30x 0.00031; 1000 Genomes Project 0.00040; gnomAD 0.00121 and 0.00124; ESP Exome Variant Server 0.00131; TOPMed 0.00137; gnomAD exomes 0.00202.
gnomAD v4.1: 3,118 of 1,611,108 alleles (0.19%); highest among the groups gnomAD compares: Non-Finnish European, 0.24%; 4 homozygotes.

Submissions (3):

Labcorp Genetics (formerly Invitae), Labcorp
Classification: Likely benign. Last evaluated: 2024-09-19. Review status: criteria provided, single submitter. Criteria: Invitae Variant Classification Sherloc (09022015). Collection method: clinical testing. Allele origin: germline.

Breakthrough Genomics
Classification: Likely benign. Review status: criteria provided, single submitter. Criteria: ACMG Guidelines, 2015. Collection method: not provided. Allele origin: germline. Inheritance: Unknown mechanism. Affected: yes.

PreventionGenetics, part of Exact Sciences
Classification: Likely benign for CELSR2-related condition. Last evaluated: 2022-03-18. Review status: no assertion criteria provided. Collection method: clinical testing. Allele origin: germline. Not counted in ClinVar's aggregate classification.
Comment: This variant is classified as likely benign based on ACMG/AMP sequence variant interpretation guidelines (Richards et al. 2015 PMID: 25741868, with internal and published modifications).